The following is an entry in ClinVar:

ClinVar aggregate classification (germline): Benign. Review status: criteria provided, multiple submitters, no conflicts (2 of 4 stars). 2 submissions from 2 submitters: Benign (2). Last evaluated 2018-01-13.

Conditions:
Primary hypomagnesemia (HOMG3). Also called: HYPOMAGNESEMIA 3, RENAL; HYPOMAGNESEMIA, FAMILIAL, WITH HYPERCALCIURIA AND NEPHROCALCINOSIS; HYPOMAGNESEMIA, ISOLATED RENAL; HYPOMAGNESEMIA, PRIMARY, DUE TO DEFECT IN RENAL TUBULAR TRANSPORT OF MAGNESIUM. Identifiers: Orphanet 31043, MedGen C0268448, MONDO:0009550, OMIM 248250.

Allele frequency attached by ClinVar (database versions not stated): 1000 Genomes Project 0.01318; 1000 Genomes Project 30x 0.01374; TOPMed 0.01796; gnomAD 0.01943 and 0.01992.

Submissions (2):

Illumina Laboratory Services, Illumina
Classification: Benign for Primary hypomagnesemia. Last evaluated: 2018-01-13. Review status: criteria provided, single submitter. Criteria: ICSL Variant Classification Criteria 13 December 2019. Collection method: clinical testing. Allele origin: germline.
Comment: This variant was observed in the ICSL laboratory as part of a predisposition screen in an ostensibly healthy population. It had not been previously curated by ICSL or reported in the Human Gene Mutation Database (HGMD: prior to June 1st, 2018), and was therefore a candidate for classification through an automated scoring system. Utilizing variant allele frequency, disease prevalence and penetrance estimates, and inheritance mode, an automated score was calculated to assess if this variant is too frequent to cause the disease. Based on the score and internal cut-off values, a variant classified as benign is not then subjected to further curation. The score for this variant resulted in a classification of benign for this disease.

Breakthrough Genomics
Classification: Benign. Review status: criteria provided, single submitter. Criteria: ACMG Guidelines, 2015. Collection method: not provided. Allele origin: germline. Inheritance: Autosomal recessive inheritance. Affected: yes.

NM_006580.4(CLDN16):c.*1779A>C

Gene: CLDN16 (claudin 16; plus strand). Cytogenetic location: 3q28.
Variant type: single nucleotide variant.
Coding change: c.*1779A>C on transcript NM_006580.4 (MANE Select); 1779 bases downstream of the stop codon, A replaced by C.
Molecular consequence: 3 prime UTR variant.
Genome position (GRCh38, 1-based): chr3:190,411,815, A>C. VCF-style: chr3-190411815-A-C. GRCh37 (hg19) VCF-style: chr3-190129604-A-C.
Other names: c.*1779A>C (NM_001378492.1, NM_001378493.1).
Identifiers: ClinVar variation 344475 (VCV000344475.6), dbSNP rs115514339, ClinGen allele CA10617901.
Genomic context (GRCh38, chr3:190,411,815, plus strand): 5'-CAGCAATTGATTTAACTATCTCATTTTTATTAACTGTAATTTACTTTAAAAATATTTGCA[A>C]ATCATACTCATTAGTTATTTGATCATTGTTCTATGCATTTTAAAATTAATTTTGTGTTGT-3'